The following is an entry in ClinVar:

ClinVar aggregate classification (germline): Uncertain significance (1 of 4 stars; one submission).

gnomAD v4.1: 2 of 1,612,536 alleles (0.00012%); highest among the groups gnomAD compares: Admixed American, 0.0017%; no homozygotes.

Submission:

Ambry Genetics
Classification: Uncertain significance. Last evaluated: 2024-07-30. Review status: criteria provided, single submitter. Criteria: Ambry Variant Classification Scheme 2023. Collection method: clinical testing. Allele origin: germline.
Comment: The p.E209K variant (also known as c.625G>A), located in coding exon 1 of the EGLN2 gene, results from a G to A substitution at nucleotide position 625. The glutamic acid at codon 209 is replaced by lysine, an amino acid with similar properties. This amino acid position is conserved. In addition, this alteration is predicted to be tolerated by in silico analysis. Based on the available evidence, the clinical significance of this variant remains unclear.

NM_080732.4(EGLN2):c.625G>A (p.Glu209Lys)

Genes: EGLN2 (egl-9 family hypoxia inducible factor 2; plus strand), RAB4B-EGLN2 (RAB4B-EGLN2 readthrough (NMD candidate); plus strand). Cytogenetic location: 19q13.2.
Variant type: single nucleotide variant.
Coding change: c.625G>A on transcript NM_080732.4 (MANE Select); coding-DNA position 625, G replaced by A.
Protein change: p.Glu209Lys; replaces glutamic acid 209 with lysine.
Molecular consequence: missense variant. On other transcripts: non-coding transcript variant (1).
Genome position (GRCh38, 1-based): chr19:40,801,197, G>A. VCF-style: chr19-40801197-G-A. GRCh37 (hg19) VCF-style: chr19-41307102-G-A.
Other names: c.625G>A, p.Glu209Lys (NM_053046.4); short protein forms E209K.
Identifiers: ClinVar variation 3507259 (VCV003507259.1).